The following is an entry in ClinVar:

NM_000548.5(TSC2):c.1105C>T (p.Leu369Phe)

Gene: TSC2 (TSC complex subunit 2; plus strand). Cytogenetic location: 16p13.3.
Variant type: single nucleotide variant.
Coding change: c.1105C>T on transcript NM_000548.5 (MANE Select); coding-DNA position 1105, C replaced by T.
Protein change: p.Leu369Phe; replaces leucine 369 with phenylalanine.
Molecular consequence: missense variant.
Genome position (GRCh38, 1-based): chr16:2,060,799, C>T. VCF-style: chr16-2060799-C-T. GRCh37 (hg19) VCF-style: chr16-2110800-C-T.
Other names: c.1105C>T, p.Leu369Phe (NM_001077183.3, NM_001114382.3, NM_001363528.2 and 6 more transcripts); c.994C>T, p.Leu332Phe (NM_001318827.2, NM_001406670.1, NM_001406678.1); c.958C>T, p.Leu320Phe (NM_001318829.2, NM_001406675.1, NM_001406676.1 and 1 more transcripts); c.505C>T, p.Leu169Phe (NM_001318831.2, NM_001406684.1, NM_001406685.1 and 6 more transcripts); c.1138C>T, p.Leu380Phe (NM_001318832.2); c.1195C>T, p.Leu399Phe (NM_001406667.1, NM_001406668.1); c.1093C>T, p.Leu365Phe (NM_001406671.1, NM_001406673.1); c.-327C>T (NM_001406689.1, NM_001406690.1, NM_001406691.1 and 4 more transcripts); and 4 more; short protein forms L320F, L215F, L350F, L380F, L169F, L332F, L365F, L369F.
Identifiers: ClinVar variation 2151168 (VCV002151168.6), dbSNP rs1195544121, ClinGen allele CA394318301.

ClinVar aggregate classification (germline): Uncertain significance. Review status: criteria provided, multiple submitters, no conflicts (2 of 4 stars). 3 submissions from 3 submitters: Uncertain significance (3). Last evaluated 2026-03-21.

Conditions:
Hereditary cancer-predisposing syndrome. Also called: Tumor predisposition; Hereditary Cancer Syndrome; Hereditary neoplastic syndrome; Neoplastic Syndromes, Hereditary. Identifiers: Orphanet 140162, MedGen C0027672, MeSH D009386, MONDO:0015356.
Tuberous sclerosis 2 (TSC2). Identifiers: Orphanet 805, MedGen C1860707, MONDO:0013199, OMIM 613254.
Tuberous sclerosis syndrome (TSC). Also called: Tuberous Sclerosis Complex; Tuberous sclerosis. Identifiers: Orphanet 805, MedGen C0041341, MONDO:0001734.

Submissions (3):

Ambry Genetics
Classification: Uncertain significance for Hereditary cancer-predisposing syndrome. Last evaluated: 2026-03-21. Review status: criteria provided, single submitter. Criteria: Ambry Variant Classification Scheme 2023. Collection method: clinical testing. Allele origin: germline.
Comment: The p.L369F variant (also known as c.1105C>T), located in coding exon 10 of the TSC2 gene, results from a C to T substitution at nucleotide position 1105. The leucine at codon 369 is replaced by phenylalanine, an amino acid with highly similar properties. This amino acid position is conserved. In addition, the in silico prediction for this alteration is inconclusive. Based on the available evidence, the clinical significance of this variant remains unclear.

All of Us Research Program, National Institutes of Health
Classification: Uncertain significance for Tuberous sclerosis syndrome. Last evaluated: 2024-03-28. Review status: criteria provided, single submitter. Criteria: ACMG Guidelines, 2015. Collection method: clinical testing. Allele origin: germline. Inheritance: Autosomal dominant inheritance. Observed: 1 variant allele, 1 heterozygote.
Comment: This study involves interpretation of variants in research participants for the purpose of population health screening. Participant phenotype was not available at the time of variant classification. Additional details can be found in publication PMID: 35346344, PMCID: PMC8962531

Labcorp Genetics (formerly Invitae), Labcorp
Classification: Uncertain significance for Tuberous sclerosis 2. Last evaluated: 2023-10-20. Review status: criteria provided, single submitter. Criteria: Invitae Variant Classification Sherloc (09022015). Collection method: clinical testing. Allele origin: germline.
Comment: This sequence change replaces leucine, which is neutral and non-polar, with phenylalanine, which is neutral and non-polar, at codon 369 of the TSC2 protein (p.Leu369Phe). This variant is not present in population databases (gnomAD no frequency). This variant has not been reported in the literature in individuals affected with TSC2-related conditions. ClinVar contains an entry for this variant (Variation ID: 2151168). Advanced modeling of protein sequence and biophysical properties (such as structural, functional, and spatial information, amino acid conservation, physicochemical variation, residue mobility, and thermodynamic stability) performed at Invitae indicates that this missense variant is not expected to disrupt TSC2 protein function. In summary, the available evidence is currently insufficient to determine the role of this variant in disease. Therefore, it has been classified as a Variant of Uncertain Significance.